The following is an entry in ClinVar:

ClinVar aggregate classification (germline): Uncertain significance. Review status: criteria provided, multiple submitters, no conflicts (2 of 4 stars). 2 submissions from 2 submitters: Uncertain significance (2). Last evaluated 2024-11-18.

Conditions:
Cranioectodermal dysplasia 1 (CED1). Also called: LEVIN SYNDROME I. Identifiers: Orphanet 1515, MedGen C0432235, MONDO:0021093, OMIM 218330.

Allele frequency attached by ClinVar (database versions not stated): gnomAD 0.00003 and 0.00004; ExAC 0.00004; TOPMed 0.00004; ESP Exome Variant Server 0.00015.
gnomAD v4.1: 73 of 1,607,122 alleles (0.0045%); highest among the groups gnomAD compares: East Asian, 0.047%; no homozygotes.

Submissions (2):

Labcorp Genetics (formerly Invitae), Labcorp
Classification: Uncertain significance for Cranioectodermal dysplasia 1. Last evaluated: 2024-11-18. Review status: criteria provided, single submitter. Criteria: Invitae Variant Classification Sherloc (09022015). Collection method: clinical testing. Allele origin: germline.
Comment: This sequence change replaces aspartic acid, which is acidic and polar, with asparagine, which is neutral and polar, at codon 846 of the IFT122 protein (p.Asp846Asn). This variant is present in population databases (rs76007598, gnomAD 0.02%). This variant has not been reported in the literature in individuals affected with IFT122-related conditions. ClinVar contains an entry for this variant (Variation ID: 857142). Invitae Evidence Modeling of protein sequence and biophysical properties (such as structural, functional, and spatial information, amino acid conservation, physicochemical variation, residue mobility, and thermodynamic stability) indicates that this missense variant is not expected to disrupt IFT122 protein function with a negative predictive value of 80%. In summary, the available evidence is currently insufficient to determine the role of this variant in disease. Therefore, it has been classified as a Variant of Uncertain Significance.

Fulgent Genetics
Classification: Uncertain significance for Cranioectodermal dysplasia 1. Last evaluated: 2022-04-23. Review status: criteria provided, single submitter. Criteria: ACMG Guidelines, 2015. Collection method: clinical testing. Allele origin: unknown.

NM_052989.3(IFT122):c.2383G>A (p.Asp795Asn)

Gene: IFT122 (intraflagellar transport 122; plus strand). Cytogenetic location: 3q22.1.
Variant type: single nucleotide variant.
Coding change: c.2383G>A on transcript NM_052989.3 (MANE Select); coding-DNA position 2383, G replaced by A.
Protein change: p.Asp795Asn; replaces aspartic acid 795 with asparagine.
Molecular consequence: missense variant.
Genome position (GRCh38, 1-based): chr3:129,502,718, G>A. VCF-style: chr3-129502718-G-A. GRCh37 (hg19) VCF-style: chr3-129221561-G-A.
Other names: c.2050G>A, p.Asp684Asn (NM_052990.3); c.2359G>A, p.Asp787Asn (NM_001280541.2); c.1933G>A, p.Asp645Asn (NM_001280545.2); c.1756G>A, p.Asp586Asn (NM_001280546.2); c.2206G>A, p.Asp736Asn (NM_018262.4); c.2536G>A, p.Asp846Asn (NM_052985.4); short protein forms D586N, D684N, D645N, D736N, D787N, D795N, D846N.
Identifiers: ClinVar variation 857142 (VCV000857142.8), dbSNP rs76007598, ClinGen allele CA2606506.